The following is an entry in ClinVar:

NM_014956.5(CEP164):c.2688A>G (p.Glu896=)

Gene: CEP164 (centrosomal protein 164; plus strand). Cytogenetic location: 11q23.3.
Variant type: single nucleotide variant.
Coding change: c.2688A>G on transcript NM_014956.5 (MANE Select); coding-DNA position 2688, A replaced by G.
Protein change: p.Glu896=; no amino-acid change (glutamic acid 896 retained).
Molecular consequence: synonymous variant.
Genome position (GRCh38, 1-based): chr11:117,394,421, A>G. VCF-style: chr11-117394421-A-G. GRCh37 (hg19) VCF-style: chr11-117265137-A-G.
Other names: c.2697A>G, p.Glu899= (NM_001271933.2); c.2688A>G (NM_014956.4).
Identifiers: ClinVar variation 3704243 (VCV003704243.3).

ClinVar aggregate classification (germline): Likely benign. Review status: criteria provided, multiple submitters, no conflicts (2 of 4 stars). 2 submissions from 2 submitters: Likely benign (2). Last evaluated 2026-05-16.

Conditions:
CEP164-related disorder. Also called: CEP164-related condition.
Nephronophthisis 15 (NPHP15). Identifiers: Orphanet 3156, MedGen C3541853, MONDO:0013917, OMIM 614845.

gnomAD v4.1: 12 of 1,613,792 alleles (0.00074%); highest among the groups gnomAD compares: South Asian, 0.013%; no homozygotes.

Submissions (2):

PreventionGenetics, part of Exact Sciences
Classification: Likely benign for CEP164-related condition. Last evaluated: 2026-05-16. Review status: criteria provided, single submitter. Criteria: ACMG Guidelines, 2015. Collection method: clinical testing. Allele origin: germline.
Comment: This variant is classified as likely benign based on ACMG/AMP sequence variant interpretation guidelines (Richards et al. 2015 PMID: 25741868, with internal and published modifications).

Labcorp Genetics (formerly Invitae), Labcorp
Classification: Likely benign for Nephronophthisis 15. Last evaluated: 2025-08-14. Review status: criteria provided, single submitter. Criteria: Invitae Variant Classification Sherloc (09022015). Collection method: clinical testing. Allele origin: germline.